The following is an entry in ClinVar:

ClinVar aggregate classification (germline): Likely pathogenic (1 of 4 stars; one submission).

Submission:

GeneDx
Classification: Likely pathogenic. Last evaluated: 2024-11-27. Review status: criteria provided, single submitter. Criteria: GeneDx Variant Classification Process June 2021. Collection method: clinical testing. Allele origin: germline. Affected: yes.
Comment: Identified de novo in a patient from a large autism spectrum disorder cohort; however, this individual also had a de novo variant in another gene that could be contributing to their presentation (PMID: 35982159); Not observed at significant frequency in large population cohorts (gnomAD); In silico analysis supports that this missense variant has a deleterious effect on protein structure/function; This variant is associated with the following publications: (PMID: 35982160, 35982159)

NM_001170629.2(CHD8):c.2855G>A (p.Arg952Gln)

Gene: CHD8 (chromodomain helicase DNA binding protein 8; minus strand). Cytogenetic location: 14q11.2.
Variant type: single nucleotide variant.
Coding change: c.2855G>A on transcript NM_001170629.2 (MANE Select); coding-DNA position 2855, G replaced by A.
Protein change: p.Arg952Gln; replaces arginine 952 with glutamine.
Molecular consequence: missense variant.
Genome position (GRCh38, 1-based): chr14:21,406,908, C>T on the plus strand (G>A on the coding strand, the complement: CHD8 is on the minus strand). VCF-style: chr14-21406908-C-T. GRCh37 (hg19) VCF-style: chr14-21875067-C-T.
Other names: c.2018G>A, p.Arg673Gln (NM_020920.4); short protein forms R673Q, R952Q.
Identifiers: ClinVar variation 1327384 (VCV001327384.3), dbSNP rs2139478468, ClinGen allele CA388873928.
Genomic context (GRCh38, chr14:21,406,908, plus strand): 5'-GAACTCACCAGGTCCATGTGCTTGAGACTATCAAGCAGCTTGCAATTACGGTTTTTCAGT[C>T]GATGGGCTTCATCAATGATAACACAACGCCATTCAATTTCACGAAGCTCAGGACAATCTG-3'
Protein context (NP_001164100.1, residues 942-962): WRCVIIDEAH[Arg952Gln]LKNRNCKLLD